The following is an entry in ClinVar:

NM_032444.4(SLX4):c.3367T>C (p.Ser1123Pro)

Gene: SLX4 (SLX4 structure-specific endonuclease subunit; minus strand). Cytogenetic location: 16p13.3.
Variant type: single nucleotide variant.
Coding change: c.3367T>C on transcript NM_032444.4 (MANE Select); coding-DNA position 3367, T replaced by C.
Protein change: p.Ser1123Pro; replaces serine 1123 with proline.
Molecular consequence: missense variant.
Genome position (GRCh38, 1-based): chr16:3,590,271, A>G on the plus strand (T>C on the coding strand, the complement: SLX4 is on the minus strand). VCF-style: chr16-3590271-A-G. GRCh37 (hg19) VCF-style: chr16-3640272-A-G.
Other names: c.3367T>C (LRG_503t1, NM_032444.3); short protein forms S1123P.
Identifiers: ClinVar variation 188281 (VCV000188281.17), dbSNP rs201582780, ClinGen allele CA334512.

ClinVar aggregate classification (germline): Conflicting classifications of pathogenicity. Review status: criteria provided, conflicting classifications (1 of 4 stars). 4 submissions from 4 submitters: Uncertain significance (1); Likely benign (3). Last evaluated 2025-12-31.

Conditions:
SLX4-related disorder. Also called: SLX4-related condition.
Fanconi anemia (FA). Also called: Fanconi's anemia. Identifiers: Orphanet 84, MedGen C0015625, MeSH D005199, MONDO:0019391.
Fanconi anemia complementation group P. Also called: SLX4-Related Fanconi Anemia. Identifiers: Orphanet 84, MedGen C3469542, MONDO:0013499, OMIM 613951.

Allele frequency attached by ClinVar (database versions not stated): gnomAD 0.00001 and 0.00004; TOPMed 0.00002; gnomAD exomes 0.00010 and 0.00014; ExAC 0.00020; 1000 Genomes Project 30x 0.00031; 1000 Genomes Project 0.00040.
gnomAD v4.1: 150 of 1,613,972 alleles (0.0093%); highest among the groups gnomAD compares: East Asian, 0.33%; no homozygotes.

Submissions (4):

PreventionGenetics, part of Exact Sciences
Classification: Likely benign for SLX4-related condition. Last evaluated: 2025-12-31. Review status: criteria provided, single submitter. Criteria: ACMG Guidelines, 2015. Collection method: clinical testing. Allele origin: germline.
Comment: This variant is classified as likely benign based on ACMG/AMP sequence variant interpretation guidelines (Richards et al. 2015 PMID: 25741868, with internal and published modifications).

Labcorp Genetics (formerly Invitae), Labcorp
Classification: Likely benign for Fanconi anemia. Last evaluated: 2025-10-21. Review status: criteria provided, single submitter. Criteria: Invitae Variant Classification Sherloc (09022015). Collection method: clinical testing. Allele origin: germline.

Fulgent Genetics
Classification: Likely benign for Fanconi anemia complementation group P. Last evaluated: 2024-02-15. Review status: criteria provided, single submitter. Criteria: ACMG Guidelines, 2015. Collection method: clinical testing. Allele origin: germline.

Illumina Laboratory Services, Illumina
Classification: Uncertain significance for Fanconi anemia complementation group P. Last evaluated: 2018-01-12. Review status: criteria provided, single submitter. Criteria: ICSL Variant Classification Criteria 13 December 2019. Collection method: clinical testing. Allele origin: germline.